The following is an entry in ClinVar:

ClinVar aggregate classification (germline): Pathogenic (1 of 4 stars; one submission).

Conditions:
Inborn genetic diseases. Identifiers: MedGen C0950123, MeSH D030342.

Submission:

Ambry Genetics
Classification: Pathogenic for Inborn genetic diseases. Last evaluated: 2025-08-12. Review status: criteria provided, single submitter. Criteria: Ambry Variant Classification Scheme 2023. Collection method: clinical testing. Allele origin: germline.
Comment: The c.1507G>T (p.E503*) alteration, located in exon 11 (coding exon 8) of the KDM6B gene, consists of a G to T substitution at nucleotide position 1507. This changes the amino acid from a glutamic acid (E) to a stop codon at amino acid position 503. This alteration is expected to result in loss of function by premature protein truncation or nonsense-mediated mRNA decay. This variant was not reported in population-based cohorts in the Genome Aggregation Database (gnomAD). Based on the available evidence, this alteration is classified as pathogenic.

NM_001348716.2(KDM6B):c.1507G>T (p.Glu503Ter)

Gene: KDM6B (lysine demethylase 6B; plus strand). Cytogenetic location: 17p13.1.
Variant type: single nucleotide variant.
Coding change: c.1507G>T on transcript NM_001348716.2 (MANE Select); coding-DNA position 1507, G replaced by T.
Protein change: p.Glu503Ter; replaces glutamic acid 503 with a stop codon.
Molecular consequence: nonsense.
Genome position (GRCh38, 1-based): chr17:7,847,795, G>T. VCF-style: chr17-7847795-G-T. GRCh37 (hg19) VCF-style: chr17-7751113-G-T.
Other names: c.1507G>T, p.Glu503Ter (NM_001080424.2); short protein forms E503*.
Identifiers: ClinVar variation 4091388 (VCV004091388.1).